The following is an entry in ClinVar:

ClinVar aggregate classification (germline): Likely benign. Review status: criteria provided, multiple submitters, no conflicts (2 of 4 stars). 2 submissions from 2 submitters: Likely benign (2). Last evaluated 2023-11-15.

Submissions (2):

Women's Health and Genetics/Laboratory Corporation of America, LabCorp
Classification: Likely benign. Last evaluated: 2023-11-15. Review status: criteria provided, single submitter. Criteria: LabCorp Variant Classification Summary - May 2015. Collection method: clinical testing. Allele origin: germline.

GeneDx
Classification: Likely benign. Last evaluated: 2017-05-30. Review status: criteria provided, single submitter. Criteria: GeneDx Variant Classification (06012015). Collection method: clinical testing. Allele origin: germline. Affected: yes.
Comment: This variant is considered likely benign or benign based on one or more of the following criteria: it is a conservative change, it occurs at a poorly conserved position in the protein, it is predicted to be benign by multiple in silico algorithms, and/or has population frequency not consistent with disease.

NM_000038.6(APC):c.7350A>G (p.Pro2450=)

Gene: APC (APC regulator of WNT signaling pathway; plus strand). Cytogenetic location: 5q22.2.
Variant type: single nucleotide variant.
Coding change: c.7350A>G on transcript NM_000038.6 (MANE Select); coding-DNA position 7350, A replaced by G.
Protein change: p.Pro2450=; no amino-acid change (proline 2450 retained).
Molecular consequence: synonymous variant.
Genome position (GRCh38, 1-based): chr5:112,842,944, A>G. VCF-style: chr5-112842944-A-G. GRCh37 (hg19) VCF-style: chr5-112178641-A-G.
Other names: c.7350A>G, p.Pro2450= (NM_001127510.3, NM_001354895.2); c.7296A>G, p.Pro2432= (NM_001127511.3); c.7404A>G, p.Pro2468= (NM_001354896.2); c.7380A>G, p.Pro2460= (NM_001354897.2); c.7275A>G, p.Pro2425= (NM_001354898.2); c.7266A>G, p.Pro2422= (NM_001354899.2); c.7227A>G, p.Pro2409= (NM_001354900.2); c.7173A>G, p.Pro2391= (NM_001354901.2); and 5 more.
Identifiers: ClinVar variation 390547 (VCV000390547.2), dbSNP rs1057523812, ClinGen allele CA16605195.